The following is an entry in ClinVar:

NM_001844.5(COL2A1):c.2742T>C (p.Pro914=)

Gene: COL2A1 (collagen type II alpha 1 chain; minus strand). Cytogenetic location: 12q13.11.
Variant type: single nucleotide variant.
Coding change: c.2742T>C on transcript NM_001844.5 (MANE Select); coding-DNA position 2742, T replaced by C.
Protein change: p.Pro914=; no amino-acid change (proline 914 retained).
Molecular consequence: synonymous variant.
Genome position (GRCh38, 1-based): chr12:47,978,750, A>G on the plus strand (T>C on the coding strand, the complement: COL2A1 is on the minus strand). VCF-style: chr12-47978750-A-G. GRCh37 (hg19) VCF-style: chr12-48372533-A-G.
Other names: c.2535T>C, p.Pro845= (NM_033150.3).
Identifiers: ClinVar variation 758150 (VCV000758150.12), dbSNP rs369492641, ClinGen allele CA6534990.

ClinVar aggregate classification (germline): Likely benign. Review status: criteria provided, multiple submitters, no conflicts (2 of 4 stars). 4 submissions from 4 submitters: Likely benign (4). Last evaluated 2026-02-04.

Conditions:
COL2A1-related disorder. Also called: COL2A1-related condition; COL2A1-related disorders.

Allele frequency attached by ClinVar (database versions not stated): gnomAD exomes 0.00002 and 0.00004; ExAC 0.00003; TOPMed 0.00004; gnomAD 0.00007 and 0.00008; ESP Exome Variant Server 0.00008.
gnomAD v4.1: 74 of 1,612,820 alleles (0.0046%); highest among the groups gnomAD compares: Non-Finnish European, 0.0059%; no homozygotes.

Submissions (4):

PreventionGenetics, part of Exact Sciences
Classification: Likely benign for COL2A1-related condition. Last evaluated: 2026-02-04. Review status: criteria provided, single submitter. Criteria: ACMG Guidelines, 2015. Collection method: clinical testing. Allele origin: germline.
Comment: This variant is classified as likely benign based on ACMG/AMP sequence variant interpretation guidelines (Richards et al. 2015 PMID: 25741868, with internal and published modifications).

Labcorp Genetics (formerly Invitae), Labcorp
Classification: Likely benign. Last evaluated: 2026-02-01. Review status: criteria provided, single submitter. Criteria: Invitae Variant Classification Sherloc (09022015). Collection method: clinical testing. Allele origin: germline.

Blueprint Genetics
Classification: Likely benign. Last evaluated: 2021-12-21. Review status: criteria provided, single submitter. Criteria: ACMG Guidelines, 2015. Collection method: clinical testing. Allele origin: germline.

GeneDx
Classification: Likely benign. Last evaluated: 2021-01-13. Review status: criteria provided, single submitter. Criteria: GeneDx Variant Classification Process June 2021. Collection method: clinical testing. Allele origin: germline. Affected: yes.